The following is an entry in ClinVar:

NM_152564.5(VPS13B):c.6923G>T (p.Cys2308Phe)

Gene: VPS13B (vacuolar protein sorting 13 homolog B; plus strand). Cytogenetic location: 8q22.2.
Variant type: single nucleotide variant.
Coding change: c.6923G>T on transcript NM_152564.5 (MANE Select); coding-DNA position 6923, G replaced by T.
Protein change: p.Cys2308Phe; replaces cysteine 2308 with phenylalanine.
Molecular consequence: missense variant.
Genome position (GRCh38, 1-based): chr8:99,720,920, G>T. VCF-style: chr8-99720920-G-T. GRCh37 (hg19) VCF-style: chr8-100733148-G-T.
Other names: c.6998G>T, p.Cys2333Phe (NM_017890.5); short protein forms C2333F, C2308F.
Identifiers: ClinVar variation 4987310 (VCV004987310.1).
Genomic context (GRCh38, chr8:99,720,920, plus strand): 5'-CAGAATCTTTGAAATTGCCTGGGGTCTATGAAGTCTTATTTTATAATGAAACTGAAGATT[G>T]CCCAGGGATGATGTTATGGAGATATCCAGAACCTAGAGTACTCACCCTTGTACGAATAAC-3'
Protein context (NP_689777.3, residues 2298-2318): EVLFYNETED[Cys2308Phe]PGMMLWRYPE

ClinVar aggregate classification (germline): Uncertain significance (1 of 4 stars; one submission).

Conditions:
VPS13B-related disorder. Also called: VPS13B-related condition.

gnomAD v4.1: 1 of 1,613,890 alleles (0.000062%); no homozygotes.

Submission:

PreventionGenetics, part of Exact Sciences
Classification: Uncertain significance for VPS13B-related condition. Last evaluated: 2025-06-04. Review status: criteria provided, single submitter. Criteria: ACMG Guidelines, 2015. Collection method: clinical testing. Allele origin: germline.
Comment: The VPS13B c.6923G>T variant is predicted to result in the amino acid substitution p.Cys2308Phe. To our knowledge, this variant has not been reported in the literature or in a large population database (gnomAD), indicating this variant is rare. At this time, the clinical significance of this variant is uncertain due to the absence of conclusive functional and genetic evidence.